The following is an entry in ClinVar:

ClinVar aggregate classification (germline): Uncertain significance (1 of 4 stars; one submission).

Conditions:
Dyskeratosis congenita, autosomal dominant 6 (DKCA6). Identifiers: Orphanet 3322, MedGen C4225284, MONDO:0014690, OMIM 616553.

Submission:

Labcorp Genetics (formerly Invitae), Labcorp
Classification: Uncertain significance for Dyskeratosis congenita, autosomal dominant 6. Last evaluated: 2025-08-23. Review status: criteria provided, single submitter. Criteria: Invitae Variant Classification Sherloc (09022015). Collection method: clinical testing. Allele origin: germline.
Comment: This sequence change replaces proline, which is neutral and non-polar, with leucine, which is neutral and non-polar, at codon 284 of the ACD protein (p.Pro284Leu). This variant is not present in population databases (gnomAD no frequency). This variant has not been reported in the literature in individuals affected with ACD-related conditions. Invitae Evidence Modeling of protein sequence and biophysical properties (such as structural, functional, and spatial information, amino acid conservation, physicochemical variation, residue mobility, and thermodynamic stability) indicates that this missense variant is expected to disrupt ACD protein function with a positive predictive value of 80%. In summary, the available evidence is currently insufficient to determine the role of this variant in disease. Therefore, it has been classified as a Variant of Uncertain Significance.

NM_001082486.2(ACD):c.593C>T (p.Pro198Leu)

Gene: ACD (ACD shelterin complex subunit and telomerase recruitment factor; minus strand). Cytogenetic location: 16q22.1.
Variant type: single nucleotide variant.
Coding change: c.593C>T on transcript NM_001082486.2 (MANE Select); coding-DNA position 593, C replaced by T.
Protein change: p.Pro198Leu; replaces proline 198 with leucine.
Molecular consequence: missense variant.
Genome position (GRCh38, 1-based): chr16:67,658,980, G>A on the plus strand (C>T on the coding strand, the complement: ACD is on the minus strand). VCF-style: chr16-67658980-G-A. GRCh37 (hg19) VCF-style: chr16-67692883-G-A.
Other names: c.593C>T, p.Pro198Leu (NM_001410884.1); c.584C>T, p.Pro195Leu (NM_022914.3); short protein forms P195L, P198L.
Identifiers: ClinVar variation 4699039 (VCV004699039.1).